The following continues an entry in ClinVar:

NM_172201.2(KCNE2):c.29C>T (p.Thr10Met)

ClinVar aggregate classification (germline): Conflicting classifications of pathogenicity. Uncertain significance (5); Benign (1); Likely benign (5).

Submissions 11 to 12 of 12:

Biesecker Lab/Clinical Genomics Section, National Institutes of Health
Classification: Uncertain significance for Long QT syndrome. Last evaluated: 2018-04-05. Review status: criteria provided, single submitter. Criteria: ACMG Guidelines, 2015. Collection method: research. Allele origin: unknown. Affected: no. Observed: 1 variant allele.
Comment: The study set was not selected for affection status in relation to arrhythmia or cardiomyopathy. Pathogenicity categories were based on literature curation. See Pubmed ID:25741868 for details.

Medical sequencing

Cardiovascular Biomedical Research Unit, Royal Brompton & Harefield NHS Foundation Trust
No classification provided. Condition: Familial long QT syndrome. Review status: no classification provided. Collection method: literature only. Allele origin: germline. Not counted in ClinVar's aggregate classification.
Comment: This variant has been reported as associated with Long QT syndrome in the following publications (PMID:15840476;PMID:18006462). This is a literature report, and does not necessarily reflect the clinical interpretation of the Imperial College / Royal Brompton Cardiovascular Genetics laboratory.

Literature cited by the submitters: PubMed 15840476 (cited by 5 submitters); PubMed 18006462 (cited by 6 submitters); PubMed 20817017 (cited by Mayo Clinic Laboratories, Mayo Clinic and Women's Health and Genetics/Laboratory Corporation of America, LabCorp); PubMed 23631430 (cited by 3 submitters); PubMed 27650965 (cited by Mayo Clinic Laboratories, Mayo Clinic and Women's Health and Genetics/Laboratory Corporation of America, LabCorp); PubMed 27920829 (cited by Mayo Clinic Laboratories, Mayo Clinic and Women's Health and Genetics/Laboratory Corporation of America, LabCorp); PubMed 28600387 (cited by 3 submitters); PubMed 28794082 (cited by 3 submitters); PubMed 29431110 (cited by Mayo Clinic Laboratories, Mayo Clinic); PubMed 29805884 (cited by Mayo Clinic Laboratories, Mayo Clinic and Victorian Clinical Genetics Services, Murdoch Childrens Research Institute); PubMed 30986657 (cited by Mayo Clinic Laboratories, Mayo Clinic); PubMed 32078429 (cited by Mayo Clinic Laboratories, Mayo Clinic); PubMed 15368194 (cited by Victorian Clinical Genetics Services, Murdoch Childrens Research Institute); PubMed 22166675 (cited by Victorian Clinical Genetics Services, Murdoch Childrens Research Institute); PubMed 22677073 (cited by Victorian Clinical Genetics Services, Murdoch Childrens Research Institute and Women's Health and Genetics/Laboratory Corporation of America, LabCorp); PubMed 24796621 (cited by Victorian Clinical Genetics Services, Murdoch Childrens Research Institute); PubMed 26123744 (cited by Victorian Clinical Genetics Services, Murdoch Childrens Research Institute); PubMed 32268277 (cited by Victorian Clinical Genetics Services, Murdoch Childrens Research Institute); PubMed 26633542 (cited by Women's Health and Genetics/Laboratory Corporation of America, LabCorp); PubMed 24403551 (cited by Women's Health and Genetics/Laboratory Corporation of America, LabCorp); PubMed 10220144 (cited by Laboratory for Molecular Medicine, Mass General Brigham Personalized Medicine); PubMed 22581653 (cited by Cardiovascular Biomedical Research Unit, Royal Brompton & Harefield NHS Foundation Trust).